The following is an entry in ClinVar:

NM_144997.7(FLCN):c.1198G>T (p.Val400Phe)

Gene: FLCN (folliculin; minus strand). Cytogenetic location: 17p11.2.
Variant type: single nucleotide variant.
Coding change: c.1198G>T on transcript NM_144997.7 (MANE Select); coding-DNA position 1198, G replaced by T.
Protein change: p.Val400Phe; replaces valine 400 with phenylalanine.
Molecular consequence: missense variant.
Genome position (GRCh38, 1-based): chr17:17,216,482, C>A on the plus strand (G>T on the coding strand, the complement: FLCN is on the minus strand). VCF-style: chr17-17216482-C-A. GRCh37 (hg19) VCF-style: chr17-17119796-C-A.
Other names: c.1198G>T (NM_144997.6); c.1198G>T, p.Val400Phe (LRG_325t1, NM_001353230.2, NM_001353231.2); c.1252G>T, p.Val418Phe (NM_001353229.2); short protein forms V400F, V418F.
Identifiers: ClinVar variation 96472 (VCV000096472.20), dbSNP rs148257120, ClinGen allele CA224150.

ClinVar aggregate classification (germline): Conflicting classifications of pathogenicity. Review status: criteria provided, conflicting classifications (1 of 4 stars). 7 submissions from 7 submitters: Uncertain significance (6); Likely benign (1). Last evaluated 2026-01-26.

Conditions:
Hereditary cancer-predisposing syndrome. Also called: Neoplastic Syndromes, Hereditary; Hereditary Cancer Syndrome; Tumor predisposition; Hereditary neoplastic syndrome. Identifiers: Orphanet 140162, MedGen C0027672, MeSH D009386, MONDO:0015356.
Birt-Hogg-Dube syndrome. Also called: Birt Hogg Dubé syndrome. Identifiers: Orphanet 122, MedGen C0346010, MONDO:0800444.

Allele frequency attached by ClinVar (database versions not stated): TOPMed 0.00001.
gnomAD v4.1: 17 of 1,613,690 alleles (0.0011%); highest among the groups gnomAD compares: Non-Finnish European, 0.0014%; no homozygotes.

Submissions (7):

Labcorp Genetics (formerly Invitae), Labcorp
Classification: Uncertain significance for Birt-Hogg-Dube syndrome. Last evaluated: 2026-01-26. Review status: criteria provided, single submitter. Criteria: Invitae Variant Classification Sherloc (09022015). Collection method: clinical testing. Allele origin: germline.
Comment: This sequence change replaces valine, which is neutral and non-polar, with phenylalanine, which is neutral and non-polar, at codon 400 of the FLCN protein (p.Val400Phe). This variant is not present in population databases (gnomAD no frequency). This variant has not been reported in the literature in individuals affected with FLCN-related conditions. ClinVar contains an entry for this variant (Variation ID: 96472). Invitae Evidence Modeling of protein sequence and biophysical properties (such as structural, functional, and spatial information, amino acid conservation, physicochemical variation, residue mobility, and thermodynamic stability) indicates that this missense variant is not expected to disrupt FLCN protein function with a negative predictive value of 80%. In summary, the available evidence is currently insufficient to determine the role of this variant in disease. Therefore, it has been classified as a Variant of Uncertain Significance.

GeneDx
Classification: Uncertain significance. Last evaluated: 2023-09-23. Review status: criteria provided, single submitter. Criteria: GeneDx Variant Classification Process June 2021. Collection method: clinical testing. Allele origin: germline.
Comment: Not observed at significant frequency in large population cohorts (gnomAD); In silico analysis supports that this missense variant does not alter protein structure/function; Has not been previously published as pathogenic or benign to our knowledge; This variant is associated with the following publications: (PMID: 17028174)

Baylor Genetics
Classification: Uncertain significance for Birt-Hogg-Dube syndrome 1. Last evaluated: 2023-09-19. Review status: criteria provided, single submitter. Criteria: ACMG Guidelines, 2015. Collection method: clinical testing. Allele origin: unknown.

Quest Diagnostics Nichols Institute San Juan Capistrano
Classification: Uncertain significance. Last evaluated: 2023-05-24. Review status: criteria provided, single submitter. Criteria: Quest Diagnostics criteria. Collection method: clinical testing. Allele origin: unknown.
Comment: To the best of our knowledge, this variant has not been reported in the published literature. The frequency of this variant in the general population, 0.0000066 (1/152120 chromosomes (Genome Aggregation Database)), is uninformative in the assessment of its pathogenicity. Analysis of this variant using bioinformatics tools for the prediction of the effect of amino acid changes on protein structure and function yielded conflicting predictions that this variant is benign or damaging. Based on the available information, we are unable to determine the clinical significance of this variant.

Ambry Genetics
Classification: Likely benign for Hereditary cancer-predisposing syndrome. Last evaluated: 2022-06-07. Review status: criteria provided, single submitter. Criteria: Ambry Variant Classification Scheme 2023. Collection method: clinical testing. Allele origin: germline.

Sema4
Classification: Uncertain significance for Hereditary cancer-predisposing syndrome. Last evaluated: 2021-10-28. Review status: criteria provided, single submitter. Criteria: Sema4 Curation Guidelines. Collection method: curation. Allele origin: germline.
Comment: The FLCN c.1198G>T (p.V400F) variant has not been reported in the literature to our knowledge. It was not observed in the Genome Aggregation Database. The variant has been reported in ClinVar (Variation ID: 96472). Functional studies have not been performed, and in silico predictions of the variant's effect on protein function are inconclusive. The evidence is insufficient to meet ACMG/AMP criteria for classifying the variant as benign or pathogenic. Thus, the clinical significance of this variant is currently uncertain.

Eurofins Ntd Llc (ga)
Classification: Uncertain significance. Last evaluated: 2014-02-14. Review status: criteria provided, single submitter. Criteria: EGL Classification Definitions 2015. Collection method: clinical testing. Allele origin: germline. Observed: 1 variant allele, 1 heterozygote.